The following is an entry in ClinVar:

ClinVar aggregate classification (germline): Uncertain significance. Review status: criteria provided, multiple submitters, no conflicts (2 of 4 stars). 3 submissions from 3 submitters: Uncertain significance (3). Last evaluated 2025-12-20.

Allele frequency attached by ClinVar (database versions not stated): gnomAD exomes below 0.00001; ExAC 0.00001; gnomAD 0.00001; 1000 Genomes Project 30x 0.00016; 1000 Genomes Project 0.00020.
gnomAD v4.1: 5 of 1,612,306 alleles (0.00031%); highest among the groups gnomAD compares: Admixed American, 0.0067%; no homozygotes.

Submissions (3):

Labcorp Genetics (formerly Invitae), Labcorp
Classification: Uncertain significance. Last evaluated: 2025-12-20. Review status: criteria provided, single submitter. Criteria: Invitae Variant Classification Sherloc (09022015). Collection method: clinical testing. Allele origin: germline.
Comment: This sequence change replaces threonine, which is neutral and polar, with alanine, which is neutral and non-polar, at codon 686 of the SEMA4A protein (p.Thr686Ala). This variant is present in population databases (rs573674867, gnomAD 0.003%). This variant has not been reported in the literature in individuals affected with SEMA4A-related conditions. ClinVar contains an entry for this variant (Variation ID: 839223). An algorithm developed to predict the effect of missense changes on protein structure and function (PolyPhen-2) suggests that this variant is likely to be tolerated. In summary, the available evidence is currently insufficient to determine the role of this variant in disease. Therefore, it has been classified as a Variant of Uncertain Significance.

Ambry Genetics
Classification: Uncertain significance. Last evaluated: 2025-09-11. Review status: criteria provided, single submitter. Criteria: Ambry Variant Classification Scheme 2023. Collection method: clinical testing. Allele origin: germline.

Blueprint Genetics
Classification: Uncertain significance. Last evaluated: 2021-12-29. Review status: criteria provided, single submitter. Criteria: ACMG Guidelines, 2015. Collection method: clinical testing. Allele origin: germline.

NM_022367.4(SEMA4A):c.2056A>G (p.Thr686Ala)

Gene: SEMA4A (semaphorin 4A; plus strand). Cytogenetic location: 1q22.
Variant type: single nucleotide variant.
Coding change: c.2056A>G on transcript NM_022367.4 (MANE Select); coding-DNA position 2056, A replaced by G.
Protein change: p.Thr686Ala; replaces threonine 686 with alanine.
Molecular consequence: missense variant.
Genome position (GRCh38, 1-based): chr1:156,176,767, A>G. VCF-style: chr1-156176767-A-G. GRCh37 (hg19) VCF-style: chr1-156146558-A-G.
Other names: c.2056A>G, p.Thr686Ala (NM_001193300.2, NM_001193301.2, NM_001370567.1); c.1660A>G, p.Thr554Ala (NM_001193302.2); c.1759A>G, p.Thr587Ala (NM_001370568.1); c.1549A>G, p.Thr517Ala (NM_001370569.1, NM_001370571.1); short protein forms T517A, T686A, T554A, T587A.
Identifiers: ClinVar variation 839223 (VCV000839223.12), dbSNP rs573674867, ClinGen allele CA1155515.
Genomic context (GRCh38, chr1:156,176,767, plus strand): 5'-ACCAGGGTCAGTGGTGGGGCCGCCCTGGCTGCCCAGCAGTCCTACTGGCCCCACTTTGTC[A>G]CTGTCACTGTCCTCTTTGCCTTAGTGCTTTCAGGAGCCCTCATCATCCTCGTGGCCTCCC-3'
Protein context (NP_071762.2, residues 676-696): AQQSYWPHFV[Thr686Ala]VTVLFALVLS